The following is an entry in ClinVar:

NM_001089.3(ABCA3):c.2018T>A (p.Leu673His)

Gene: ABCA3 (ATP binding cassette subfamily A member 3; minus strand). Cytogenetic location: 16p13.3.
Variant type: single nucleotide variant.
Coding change: c.2018T>A on transcript NM_001089.3 (MANE Select); coding-DNA position 2018, T replaced by A.
Protein change: p.Leu673His; replaces leucine 673 with histidine.
Molecular consequence: missense variant.
Genome position (GRCh38, 1-based): chr16:2,297,800, A>T on the plus strand (T>A on the coding strand, the complement: ABCA3 is on the minus strand). VCF-style: chr16-2297800-A-T. GRCh37 (hg19) VCF-style: chr16-2347801-A-T.
Other names: c.2018T>A (NM_001089.2); short protein forms L673H.
Identifiers: ClinVar variation 1958599 (VCV001958599.6), dbSNP rs1039675036, ClinGen allele CA276829620.

ClinVar aggregate classification (germline): Uncertain significance. Review status: criteria provided, multiple submitters, no conflicts (2 of 4 stars). 2 submissions from 2 submitters: Uncertain significance (2). Last evaluated 2023-08-16.

Conditions:
Hereditary pulmonary alveolar proteinosis. Also called: Pulmonary surfactant metabolism dysfunction. Identifiers: Orphanet 264675, MedGen C3711368, MONDO:0012580.

Allele frequency attached by ClinVar (database versions not stated): gnomAD exomes below 0.00001.
gnomAD v4.1: 1 of 1,613,234 alleles (0.000062%); highest among the groups gnomAD compares: Non-Finnish European, 0.000085%; no homozygotes.

Submissions (2):

Labcorp Genetics (formerly Invitae), Labcorp
Classification: Uncertain significance. Last evaluated: 2023-08-16. Review status: criteria provided, single submitter. Criteria: Invitae Variant Classification Sherloc (09022015). Collection method: clinical testing. Allele origin: germline.
Comment: Advanced modeling of protein sequence and biophysical properties (such as structural, functional, and spatial information, amino acid conservation, physicochemical variation, residue mobility, and thermodynamic stability) performed at Invitae indicates that this missense variant is expected to disrupt ABCA3 protein function. This sequence change replaces leucine, which is neutral and non-polar, with histidine, which is basic and polar, at codon 673 of the ABCA3 protein (p.Leu673His). This variant is present in population databases (no rsID available, gnomAD 0.002%). This variant has not been reported in the literature in individuals affected with ABCA3-related conditions. ClinVar contains an entry for this variant (Variation ID: 1958599). In summary, the available evidence is currently insufficient to determine the role of this variant in disease. Therefore, it has been classified as a Variant of Uncertain Significance.

Ambry Genetics
Classification: Uncertain significance for Hereditary pulmonary alveolar proteinosis. Last evaluated: 2023-03-03. Review status: criteria provided, single submitter. Criteria: Ambry Variant Classification Scheme 2023. Collection method: clinical testing. Allele origin: germline.
Comment: The p.L673H variant (also known as c.2018T>A), located in coding exon 13 of the ABCA3 gene, results from a T to A substitution at nucleotide position 2018. The leucine at codon 673 is replaced by histidine, an amino acid with similar properties. This amino acid position is conserved. In addition, this alteration is predicted to be deleterious by in silico analysis. Since supporting evidence is limited at this time, the clinical significance of this alteration remains unclear.